The following is an entry in ClinVar:

ClinVar aggregate classification (germline): Pathogenic. Review status: criteria provided, single submitter (1 of 4 stars). 3 submissions from 3 submitters: Pathogenic (1). 2 of the submissions do not count toward it. Last evaluated 2023-07-17.

Conditions:
AIPL1-related disorder. Also called: AIPL1-related disorders; AIPL1-related condition. Identifiers: MedGen CN239169.
Leber congenital amaurosis 4 (LCA4). Identifiers: MedGen C1858386, MONDO:0011458, OMIM 604393.

gnomAD v4.1: 9 of 1,613,980 alleles (0.00056%); highest among the groups gnomAD compares: East Asian, 0.0045%; no homozygotes.

Submissions (3):

Labcorp Genetics (formerly Invitae), Labcorp
Classification: Pathogenic for Leber congenital amaurosis 4. Last evaluated: 2023-07-17. Review status: criteria provided, single submitter. Criteria: Invitae Variant Classification Sherloc (09022015). Collection method: clinical testing. Allele origin: germline.
Comment: Advanced modeling of protein sequence and biophysical properties (such as structural, functional, and spatial information, amino acid conservation, physicochemical variation, residue mobility, and thermodynamic stability) performed at Invitae indicates that this missense variant is not expected to disrupt AIPL1 protein function. For these reasons, this variant has been classified as Pathogenic. Algorithms developed to predict the effect of sequence changes on RNA splicing suggest that this variant may create or strengthen a splice site. ClinVar contains an entry for this variant (Variation ID: 916626). This missense change has been observed in individual(s) with AIPL1-related conditions (PMID: 24426771). It has also been observed to segregate with disease in related individuals. This variant is present in population databases (rs751881283, gnomAD 0.006%). This sequence change replaces arginine, which is basic and polar, with proline, which is neutral and non-polar, at codon 258 of the AIPL1 protein (p.Arg258Pro).

PreventionGenetics, part of Exact Sciences
Classification: Likely pathogenic for AIPL1-related condition. Last evaluated: 2024-09-10. Review status: no assertion criteria provided. Collection method: clinical testing. Allele origin: germline. Not counted in ClinVar's aggregate classification.
Comment: The AIPL1 c.773G>C variant is predicted to result in the amino acid substitution p.Arg258Pro. This variant has been reported in the homozygous state in multiple members of a large family with autosomal recessive retinal degeneration (Li et al. 2014. PubMed ID: 24426771). This variant is reported in 0.0033% of alleles in individuals of South Asian descent in gnomAD. This variant is interpreted as likely pathogenic.

Laboratory of Genetics in Ophthalmology, Institut Imagine
Classification: Likely pathogenic for Leber congenital amaurosis 4. Review status: no assertion criteria provided. Collection method: research. Allele origin: inherited. Affected: yes. Observed: 1 variant allele. Not counted in ClinVar's aggregate classification.

Literature cited by the submitters: PubMed 24426771 (cited by Labcorp Genetics (formerly Invitae), Labcorp); PubMed 10873396 (cited by Laboratory of Genetics in Ophthalmology, Institut Imagine).

NM_014336.5(AIPL1):c.773G>C (p.Arg258Pro)

Gene: AIPL1 (AIP like 1 HSP90 co-chaperone; minus strand). Cytogenetic location: 17p13.2.
Variant type: single nucleotide variant.
Coding change: c.773G>C on transcript NM_014336.5 (MANE Select); coding-DNA position 773, G replaced by C.
Protein change: p.Arg258Pro; replaces arginine 258 with proline.
Molecular consequence: missense variant.
Genome position (GRCh38, 1-based): chr17:6,426,626, C>G on the plus strand (G>C on the coding strand, the complement: AIPL1 is on the minus strand). VCF-style: chr17-6426626-C-G. GRCh37 (hg19) VCF-style: chr17-6329946-C-G.
Other names: c.584G>C, p.Arg195Pro (NM_001033054.3); c.593G>C, p.Arg198Pro (NM_001033055.3); c.737G>C, p.Arg246Pro (NM_001285399.3); c.707G>C, p.Arg236Pro (NM_001285400.3); c.701G>C, p.Arg234Pro (NM_001285401.3); c.656G>C, p.Arg219Pro (NM_001285402.2); c.749G>C, p.Arg250Pro (NM_001285403.4); c.773G>C (NM_014336.4); short protein forms R198P, R219P, R234P, R236P, R246P, R250P, R195P, R258P.
Identifiers: ClinVar variation 916626 (VCV000916626.5), dbSNP rs751881283, ClinGen allele CA8328406.